The following is an entry in ClinVar:

ClinVar aggregate classification (germline): Pathogenic. Review status: criteria provided, multiple submitters, no conflicts (2 of 4 stars). 9 submissions from 9 submitters: Pathogenic (6). 3 of the submissions do not count toward it. Last evaluated 2025-11-19.

Conditions:
ABCA4-related disorder. Also called: ABCA4-related condition; ABCA4-related disorders. Identifiers: MedGen CN239167.
Severe early-childhood-onset retinal dystrophy (STGD1). Also called: Stargardt macular dystrophy; Juvenile onset macular degeneration; Stargardt disease 1; STGD; MACULAR DYSTROPHY WITH FLECKS, TYPE 1. Identifiers: Orphanet 364055, Orphanet 827, MedGen C1855465, MeSH D000080362, MONDO:0009549, OMIM 248200.
Retinal dystrophy. Also called: Inherited retinal dystrophy. Identifiers: Orphanet 71862, MedGen C0854723, MeSH D058499, MONDO:0019118, HP:0000556.

Allele frequency attached by ClinVar (database versions not stated): TOPMed 0.00004; gnomAD 0.00004.
gnomAD v4.1: 6 of 152,182 alleles (0.0039%); highest among the groups gnomAD compares: Non-Finnish European, 0.0088%; no homozygotes.

Submissions (9):

Labcorp Genetics (formerly Invitae), Labcorp
Classification: Pathogenic. Last evaluated: 2025-11-19. Review status: criteria provided, single submitter. Criteria: Invitae Variant Classification Sherloc (09022015). Collection method: clinical testing. Allele origin: germline.
Comment: This sequence change falls in intron 30 of the ABCA4 gene. It does not directly change the encoded amino acid sequence of the ABCA4 protein. RNA analysis indicates that this variant induces altered splicing and may result in an absent or altered protein product. This variant is present in population databases (no rsID available, gnomAD 0.03%). This variant has been observed in individual(s) with Stargardt disease (PMID: 23918662). In at least one individual the data is consistent with being in trans (on the opposite chromosome) from a pathogenic variant. It has also been observed to segregate with disease in related individuals. ClinVar contains an entry for this variant (Variation ID: 236116). Studies have shown that this variant results in pseudoexon inclusion, and produces a non-functional protein and/or introduces a premature termination codon (PMID: 29526278). For these reasons, this variant has been classified as Pathogenic.

GeneDx
Classification: Pathogenic. Last evaluated: 2025-05-02. Review status: criteria provided, single submitter. Criteria: GeneDx Variant Classification Process June 2021. Collection method: clinical testing. Allele origin: germline. Affected: yes.
Comment: Published functional studies demonstrate a damaging effect with insertion of a 345 bp pseudoexon containing a stop codon (PMID: 29526278); This variant is associated with the following publications: (PMID: 35120629, 36209838, 32307445, 34906470, 26527198, 28118664, 23918662, 28771251, 34795310, 37296172, 29526278)

Blueprint Genetics
Classification: Pathogenic for ABCA4-related disorders. Last evaluated: 2024-08-09. Review status: criteria provided, single submitter. Criteria: ACMG Guidelines, 2015. Collection method: clinical testing. Allele origin: germline. Affected: yes. Observed: 5 variant alleles.

Victorian Clinical Genetics Services, Murdoch Childrens Research Institute
Classification: Pathogenic for Severe early-childhood-onset retinal dystrophy. Last evaluated: 2021-05-06. Review status: criteria provided, single submitter. Criteria: ACMG Guidelines, 2015. Collection method: clinical testing. Allele origin: germline. Inheritance: Autosomal recessive inheritance.
Comment: Based on the classification scheme VCGS_Germline_v1.3.4, this variant is classified as Pathogenic. Following criteria are met: 0102 - Loss of function is a known mechanism of disease in this gene and is associated with Stargardt disease 1 (MIM#248200). (I) 0106 - This gene is associated with autosomal recessive disease. (I) 0115 - Variants in this gene are known to have variable expressivity. Affected siblings can have variable age of onset and severity of disease (PMID:31522899). (I) 0210 - Splice site variant proven to affect splicing of the transcript with a known effect on protein sequence. Variant is predicted to cause nonsense-mediated decay (NMD) and loss of protein due to the insertion of a retina-specific 345-nt pseudoexon (predicted protein change: p.Arg1514Leufs*36) (PMID: 29526278). (SP) 0251 - This variant is heterozygous. (I) 0304 - Variant is present in gnomAD <0.01 for a recessive condition (v3) (6 heterozygotes, 0 homozygotes). (SP) 0801 - This variant has strong previous evidence of pathogenicity in unrelated individuals. This variant has been reported many times in Stargardt disease patients. Many of these patients have this variant in cis with c.302+68C>T (ClinVar, PMIDs: 32627976; 32307445; 25082829; 23918662). (SP) 1001 - This variant has strong functional evidence supporting abnormal protein function. By generating photoreceptor precursor cells (PPCs) from fibroblasts obtained from individuals with STGD1, it was demonstrated this deep-intronic variant results in a retina-specific 345-nt pseudoexon insertion (predicted protein change: p.Arg1514Leufs*36), likely due to the creation of exonic enhancers. This variant is predicted to cause nonsense-mediated decay (NMD) and loss of protein. (PMID: 29526278). (SP) Legend: (SP) - Supporting pathogenic, (I) - Information, (SB) - Supporting benign

Ocular Genomics Institute, Massachusetts Eye and Ear
Classification: Pathogenic for Severe early-childhood-onset retinal dystrophy. Last evaluated: 2021-04-08. Review status: criteria provided, single submitter. Criteria: ACMG Guidelines, 2015. Collection method: research. Allele origin: germline. Affected: yes.
Comment: Through a review of available evidence we were able to apply the following criteria: PM2, PS3, PM3-S. Based on this evidence we have classified this variant as Pathogenic.

Institute of Human Genetics, Univ. Regensburg, Univ. Regensburg
Classification: Pathogenic for Retinal dystrophy. Last evaluated: 2010-01-01. Review status: criteria provided, single submitter. Criteria: ACMG Guidelines, 2015. Collection method: clinical testing. Allele origin: germline. Affected: yes.

PreventionGenetics, part of Exact Sciences
Classification: Pathogenic for ABCA4-related condition. Last evaluated: 2024-06-03. Review status: no assertion criteria provided. Collection method: clinical testing. Allele origin: germline. Not counted in ClinVar's aggregate classification.
Comment: The ABCA4 c.4539+2028C>T variant is predicted to interfere with splicing. This deep intronic variant has been reported in multiple individuals with Stargardt disease (see for examples: Table 1, Braun et al. 2013. PubMed ID: 23918662; Table S2, Lionel et al. 2017. PubMed ID: 28771251; Fadaie et al. 2021. PubMed ID: 34795310). RNA analysis of patient derived cells demonstrated that the c.4539+2028C>T variant causes the inclusion of a 345-nucleotide pseudo-exon (Albert et al. 2018. PubMed ID: 29526278; Huang et al. 2022. PubMed ID: 36209838). This variant is reported in 0.029% of alleles in individuals of European (Finnish) descent in gnomAD. This variant has been listed as pathogenic by multiple independent submitters to the ClinVar database. Given the evidence, we interpret this variant as pathogenic.

Clinical Genetics DNA and cytogenetics Diagnostics Lab, Erasmus MC, Erasmus Medical Center
Classification: Pathogenic. Review status: no assertion criteria provided. Collection method: clinical testing. Allele origin: germline. Affected: yes. Study: VKGL Data-share Consensus. Not counted in ClinVar's aggregate classification.

Clinical Genetics, Academic Medical Center
Classification: Pathogenic. Review status: no assertion criteria provided. Collection method: clinical testing. Allele origin: germline. Affected: yes. Study: VKGL Data-share Consensus. Not counted in ClinVar's aggregate classification.

Literature cited by the submitters: PubMed 23918662 (cited by 4 submitters); PubMed 29526278 (cited by 4 submitters); PubMed 25082829 (cited by Victorian Clinical Genetics Services, Murdoch Childrens Research Institute); PubMed 31522899 (cited by Victorian Clinical Genetics Services, Murdoch Childrens Research Institute); PubMed 32307445 (cited by Victorian Clinical Genetics Services, Murdoch Childrens Research Institute and Institute of Human Genetics, Univ. Regensburg, Univ. Regensburg); PubMed 32627976 (cited by Victorian Clinical Genetics Services, Murdoch Childrens Research Institute); PubMed 28118664 (cited by Ocular Genomics Institute, Massachusetts Eye and Ear and Institute of Human Genetics, Univ. Regensburg, Univ. Regensburg); PubMed 28771251 (cited by Ocular Genomics Institute, Massachusetts Eye and Ear and Institute of Human Genetics, Univ. Regensburg, Univ. Regensburg); PubMed 26527198 (cited by Ocular Genomics Institute, Massachusetts Eye and Ear); PubMed 34795310 (cited by Institute of Human Genetics, Univ. Regensburg, Univ. Regensburg); PubMed 36209838 (cited by Institute of Human Genetics, Univ. Regensburg, Univ. Regensburg).

NM_000350.3(ABCA4):c.4539+2028C>T

Gene: ABCA4 (ATP binding cassette subfamily A member 4; minus strand). Cytogenetic location: 1p22.1.
Variant type: single nucleotide variant.
Coding change: c.4539+2028C>T on transcript NM_000350.3 (MANE Select); 2028 bases into the intron after coding-DNA position 4539, C replaced by T.
Molecular consequence: intron variant.
Genome position (GRCh38, 1-based): chr1:94,027,417, G>A on the plus strand (C>T on the coding strand, the complement: ABCA4 is on the minus strand). VCF-style: chr1-94027417-G-A. GRCh37 (hg19) VCF-style: chr1-94492973-G-A.
Identifiers: ClinVar variation 236116 (VCV000236116.21), dbSNP rs869320785, ClinGen allele CA10576057.